The following is an entry in ClinVar:

NM_007374.3(SIX6):c.532_536del (p.Asn178fs)

Genes: C14orf39 (chromosome 14 open reading frame 39; minus strand), SIX6 (SIX homeobox 6; plus strand). Cytogenetic location: 14q23.1.
Variant type: Deletion.
Coding change: c.532_536del on transcript NM_007374.3 (MANE Select); coding-DNA positions 532 to 536, 5 bases deleted (AACCG; older notation c.532_536delAACCG).
Protein change: p.Asn178fs; shifts the reading frame from asparagine 178.
Molecular consequence: frameshift variant.
Genome position (GRCh38, 1-based): chr14:60,509,930-60,509,934, AACCG deleted. VCF-style (leftmost placement, unchanged base first): chr14-60509929-AAACCG-A. GRCh37 (hg19) VCF-style: chr14-60976647-AAACCG-A.
Other names: short protein forms N178fs.
Identifiers: ClinVar variation 189377 (VCV000189377.40), dbSNP rs786205142, ClinGen allele CA215051.

ClinVar aggregate classification (germline): Likely pathogenic. Review status: criteria provided, multiple submitters, no conflicts (2 of 4 stars). 3 submissions from 3 submitters: Likely pathogenic (2). 1 of the submissions does not count toward it. Last evaluated 2021-06-01.

Conditions:
Colobomatous optic disc-macular atrophy-chorioretinopathy syndrome (ODRMD). Also called: OPTIC DISC ANOMALIES WITH RETINAL AND/OR MACULAR DYSTROPHY. Identifiers: Orphanet 435930, MedGen C4225424, MONDO:0008927, OMIM 212550.

Submissions (3):

CeGaT Center for Human Genetics Tuebingen
Classification: Likely pathogenic. Last evaluated: 2021-06-01. Review status: criteria provided, single submitter. Criteria: CeGaT Center For Human Genetics Tuebingen Variant Classification Criteria Version 2. Collection method: clinical testing. Allele origin: germline. Affected: yes. Observed: 2 variant alleles.

GeneDx
Classification: Likely pathogenic. Last evaluated: 2017-04-18. Review status: criteria provided, single submitter. Criteria: GeneDx Variant Classification (06012015). Collection method: clinical testing. Allele origin: germline. Affected: yes.
Comment: The c.532_536delAACCG variant in the SIX6 gene has been reported previously in the homozygous state in two siblings with micropthalmia (Aldahmesh et al., 2013). The c.532_536delAACCG variant causes a frameshift starting with codon Asparagine 178, changes this amino acid to a Proline residue, and creates a premature Stop codon at position 142 of the new reading frame, with the last 69 amnio acids being replaced by 141 aberrant amino acids, denoted p.Asn178ProfsX142. This alteration may interfere with the proper formation and/or function of the SIX6 protein. The c.532_536delAACCG variant was not observed in large population cohorts (Lek et al., 2016; 1000 Genomes Consortium et al., 2015; Exome Variant Server) The c.532_536delAACCG variant is a strong candidate for a pathogenic variant, however the possibility it may be a rare benign variant cannot be excluded.

OMIM
Classification: Pathogenic for OPTIC DISC ANOMALIES WITH RETINAL AND/OR MACULAR DYSTROPHY. Last evaluated: 2013-08-01. Review status: no assertion criteria provided. Collection method: literature only. Allele origin: germline. Not counted in ClinVar's aggregate classification.

Literature cited by the submitters: PubMed 23167593 (cited by OMIM).